The following is an entry in ClinVar:

NM_182493.3(MYLK3):c.1384T>G (p.Cys462Gly)

Gene: MYLK3 (myosin light chain kinase 3; minus strand). Cytogenetic location: 16q11.2.
Variant type: single nucleotide variant.
Coding change: c.1384T>G on transcript NM_182493.3 (MANE Select); coding-DNA position 1384, T replaced by G.
Protein change: p.Cys462Gly; replaces cysteine 462 with glycine.
Molecular consequence: missense variant.
Genome position (GRCh38, 1-based): chr16:46,732,286, A>C on the plus strand (T>G on the coding strand, the complement: MYLK3 is on the minus strand). VCF-style: chr16-46732286-A-C. GRCh37 (hg19) VCF-style: chr16-46766198-A-C.
Other names: c.361T>G, p.Cys121Gly (NM_001308301.1); short protein forms C462G, C121G.
Identifiers: ClinVar variation 2823417 (VCV002823417.3), dbSNP rs903955717, ClinGen allele CA395792013.

ClinVar aggregate classification (germline): Uncertain significance (1 of 4 stars; one submission).

Allele frequency attached by ClinVar (database versions not stated): gnomAD exomes below 0.00001.
gnomAD v4.1: 3 of 1,608,776 alleles (0.00019%); highest among the groups gnomAD compares: Non-Finnish European, 0.00025%; no homozygotes.

Submission:

Labcorp Genetics (formerly Invitae), Labcorp
Classification: Uncertain significance. Last evaluated: 2025-11-08. Review status: criteria provided, single submitter. Criteria: Invitae Variant Classification Sherloc (09022015). Collection method: clinical testing. Allele origin: germline.
Comment: This sequence change replaces cysteine, which is neutral and slightly polar, with glycine, which is neutral and non-polar, at codon 462 of the MYLK3 protein (p.Cys462Gly). This variant is present in population databases (no rsID available, gnomAD 0.0009%). This variant has not been reported in the literature in individuals affected with MYLK3-related conditions. ClinVar contains an entry for this variant (Variation ID: 2823417). An algorithm developed to predict the effect of missense changes on protein structure and function (PolyPhen-2) suggests that this variant is likely to be tolerated. In summary, the available evidence is currently insufficient to determine the role of this variant in disease. Therefore, it has been classified as a Variant of Uncertain Significance.